The following is an entry in ClinVar:

NC_000008.11:g.(?_99520899)_(99584089_?)del

Gene: VPS13B (vacuolar protein sorting 13 homolog B; plus strand). Cytogenetic location: 8q22.2.
Variant type: Deletion.
Identifiers: ClinVar variation 830905 (VCV000830905.1).

ClinVar aggregate classification (germline): Pathogenic (1 of 4 stars; one submission).

Conditions:
Cohen syndrome (COH1). Also called: Cutis verticis gyrata, retinitis pigmentosa, and sensorineural deafness; PEPPER SYNDROME. Identifiers: Orphanet 193, MedGen C0265223, MONDO:0008999, OMIM 216550.

Submission:

Labcorp Genetics (formerly Invitae), Labcorp
Classification: Pathogenic for Cohen syndrome. Last evaluated: 2019-09-03. Review status: criteria provided, single submitter. Criteria: Invitae Variant Classification Sherloc (09022015). Collection method: clinical testing. Allele origin: germline.
Comment: This variant is an out-of-frame deletion of the genomic region encompassing exons 30-33 of the VPS13B gene. This is expected to create a premature translational stop signal and result in an absent or disrupted protein product. This variant has not been reported in the literature in individuals with VPS13B-related conditions. Loss-of-function variants in VPS13B are known to be pathogenic (PMID: 15141358, 16648375, 20461111). For these reasons, this variant has been classified as Pathogenic.